The following is an entry in ClinVar:

ClinVar aggregate classification (germline): Uncertain significance (1 of 4 stars; one submission).

Allele frequency attached by ClinVar (database versions not stated): gnomAD 0.00002; TOPMed 0.00002.
gnomAD v4.1: 28 of 1,585,820 alleles (0.0018%); highest among the groups gnomAD compares: Non-Finnish European, 0.0022%; no homozygotes.

Submission:

Women's Health and Genetics/Laboratory Corporation of America, LabCorp
Classification: Uncertain significance. Last evaluated: 2023-02-16. Review status: criteria provided, single submitter. Criteria: LabCorp Variant Classification Summary - May 2015. Collection method: clinical testing. Allele origin: germline.
Comment: Variant summary: POLG2 c.1265A>C (p.Gln422Pro) results in a non-conservative amino acid change located in the Anticodon-binding domain (IPR004154) of the encoded protein sequence. Four of five in-silico tools predict a benign effect of the variant on protein function. The variant was absent in 251192 control chromosomes. The available data on variant occurrences in the general population are insufficient to allow any conclusion about variant significance. c.1265A>C has been reported in the literature in an individual with suspected mitochondrial disorder (Lieber_2013). This report does not provide unequivocal conclusions about association of the variant with POLG2-Related Disorders. To our knowledge, no experimental evidence demonstrating an impact on protein function has been reported. No clinical diagnostic laboratories have submitted clinical-significance assessments for this variant to ClinVar after 2014. Based on the evidence outlined above, the variant was classified as uncertain significance.

Literature cited by the submitters: PubMed 23596069.

NM_007215.4(POLG2):c.1265A>C (p.Gln422Pro)

Genes: MILR1 (mast cell immunoglobulin like receptor 1; plus strand), POLG2 (DNA polymerase gamma 2, accessory subunit; minus strand). Cytogenetic location: 17q23.3.
Variant type: single nucleotide variant.
Coding change: c.1265A>C on transcript NM_007215.4 (MANE Select); coding-DNA position 1265, A replaced by C.
Protein change: p.Gln422Pro; replaces glutamine 422 with proline.
Molecular consequence: missense variant.
Genome position (GRCh38, 1-based): chr17:64,480,316, T>G on the plus strand (A>C on the coding strand, the complement: POLG2 is on the minus strand). VCF-style: chr17-64480316-T-G. GRCh37 (hg19) VCF-style: chr17-62476433-T-G.
Other names: c.1265A>C (NM_007215.3); short protein forms Q422P.
Identifiers: ClinVar variation 2445881 (VCV002445881.1), dbSNP rs782087507, ClinGen allele CA293004095.